The following is an entry in ClinVar:

NM_138395.4(MARS2):c.763G>A (p.Val255Met)

Gene: MARS2 (methionyl-tRNA synthetase 2, mitochondrial; plus strand). Cytogenetic location: 2q33.1.
Variant type: single nucleotide variant.
Coding change: c.763G>A on transcript NM_138395.4 (MANE Select); coding-DNA position 763, G replaced by A.
Protein change: p.Val255Met; replaces valine 255 with methionine.
Molecular consequence: missense variant.
Genome position (GRCh38, 1-based): chr2:197,706,168, G>A. VCF-style: chr2-197706168-G-A. GRCh37 (hg19) VCF-style: chr2-198570892-G-A.
Other names: c.763G>A (NM_138395.3); short protein forms V255M.
Identifiers: ClinVar variation 2721918 (VCV002721918.4), dbSNP rs1399406742, ClinGen allele CA350213034.
Genomic context (GRCh38, chr2:197,706,168, plus strand): 5'-CCCGAACCATTTCATCACGTAGTTCTTCAGTGGCTGGACGAGGAGCTGCCCGACCTGTCC[G>A]TGTCTCGCAGAAGTAGCCACTTGCACTGGGGCATTCCGGTGCCCGGGGATGATTCGCAGA-3'
Protein context (NP_612404.1, residues 245-265): WLDEELPDLS[Val255Met]SRRSSHLHWG

ClinVar aggregate classification (germline): Uncertain significance. Review status: criteria provided, multiple submitters, no conflicts (2 of 4 stars). 2 submissions from 2 submitters: Uncertain significance (2). Last evaluated 2024-05-13.

Allele frequency attached by ClinVar (database versions not stated): gnomAD exomes below 0.00001; TOPMed 0.00002.
gnomAD v4.1: 10 of 1,614,200 alleles (0.00062%); highest among the groups gnomAD compares: Admixed American, 0.0017%; no homozygotes.

Submissions (2):

GeneDx
Classification: Uncertain significance. Last evaluated: 2024-05-13. Review status: criteria provided, single submitter. Criteria: GeneDx Variant Classification Process June 2021. Collection method: clinical testing. Allele origin: germline. Affected: yes.
Comment: Not observed at significant frequency in large population cohorts (gnomAD); In silico analysis indicates that this missense variant does not alter protein structure/function; Has not been previously published as pathogenic or benign to our knowledge

Labcorp Genetics (formerly Invitae), Labcorp
Classification: Uncertain significance. Last evaluated: 2023-07-08. Review status: criteria provided, single submitter. Criteria: Invitae Variant Classification Sherloc (09022015). Collection method: clinical testing. Allele origin: germline.
Comment: In summary, the available evidence is currently insufficient to determine the role of this variant in disease. Therefore, it has been classified as a Variant of Uncertain Significance. Advanced modeling of protein sequence and biophysical properties (such as structural, functional, and spatial information, amino acid conservation, physicochemical variation, residue mobility, and thermodynamic stability) has been performed at Invitae for this missense variant, however the output from this modeling did not meet the statistical confidence thresholds required to predict the impact of this variant on MARS2 protein function. This variant has not been reported in the literature in individuals affected with MARS2-related conditions. This variant is present in population databases (no rsID available, gnomAD 0.003%). This sequence change replaces valine, which is neutral and non-polar, with methionine, which is neutral and non-polar, at codon 255 of the MARS2 protein (p.Val255Met).